The following is an entry in ClinVar:

ClinVar aggregate classification (germline): Uncertain significance (1 of 4 stars; one submission).

Conditions:
Cardiovascular phenotype. Identifiers: MedGen CN230736.

Submission:

Ambry Genetics
Classification: Uncertain significance for Cardiovascular phenotype. Last evaluated: 2021-04-14. Review status: criteria provided, single submitter. Criteria: Ambry Variant Classification Scheme 2023. Collection method: clinical testing. Allele origin: germline.
Comment: The p.T51A variant (also known as c.151A>G), located in coding exon 5 of the TNNI3 gene, results from a G to A substitution at nucleotide position 151. This variant impacts the first base pair of coding exon 5. The threonine at codon 51 is replaced by alanine, an amino acid with similar properties. This amino acid position is not well conserved in available vertebrate species. In addition, the in silico prediction for this alteration is inconclusive. Since supporting evidence is limited at this time, the clinical significance of this alteration remains unclear.

Literature cited by the submitters: PubMed 18986304.

NM_000363.5(TNNI3):c.151A>G (p.Thr51Ala)

Gene: TNNI3 (troponin I3, cardiac type; minus strand). Cytogenetic location: 19q13.42.
Variant type: single nucleotide variant.
Coding change: c.151A>G on transcript NM_000363.5 (MANE Select); coding-DNA position 151, A replaced by G.
Protein change: p.Thr51Ala; replaces threonine 51 with alanine.
Molecular consequence: missense variant.
Genome position (GRCh38, 1-based): chr19:55,156,332, T>C on the plus strand (A>G on the coding strand, the complement: TNNI3 is on the minus strand). VCF-style: chr19-55156332-T-C. GRCh37 (hg19) VCF-style: chr19-55667700-T-C.
Other names: short protein forms T51A.
Identifiers: ClinVar variation 1774387 (VCV001774387.2), dbSNP rs2515501787, ClinGen allele CA407442124.
Genomic context (GRCh38, chr19:55,156,332, plus strand): 5'-CTCCGCGCCGCTCCTCCGCCTCTCGCTCCAGCTCTTGCTTTGCAATCTGCAGCAGCAGAG[T>C]CTGCAGAGGGGTGGGAGGGAAGCGCAGCCCACCCGGGGCTTCAGGATAAAGACCAGGCGT-3'
Protein context (NP_000354.4, residues 41-61): ISASRKLQLK[Thr51Ala]LLLQIAKQEL